The following is an entry in ClinVar:

ClinVar aggregate classification (germline): Likely pathogenic (1 of 4 stars; one submission).

Conditions:
Multiple acyl-CoA dehydrogenase deficiency (MADD). Also called: Glutaric aciduria, type 2; Glutaric acidemia type II; GA 2; Glutaric Acidemia type 2; ETHYLMALONIC-ADIPICACIDURIA; GA II. Identifiers: Orphanet 26791, MedGen C0268596, MONDO:0009282, OMIM 231680.

Submission:

Labcorp Genetics (formerly Invitae), Labcorp
Classification: Likely pathogenic for Multiple acyl-CoA dehydrogenase deficiency. Last evaluated: 2024-11-21. Review status: criteria provided, single submitter. Criteria: Invitae Variant Classification Sherloc (09022015). Collection method: clinical testing. Allele origin: germline.
Comment: This sequence change affects an acceptor splice site in intron 5 of the ETFDH gene. It is expected to disrupt RNA splicing. Variants that disrupt the donor or acceptor splice site typically lead to a loss of protein function (PMID: 16199547), and loss-of-function variants in ETFDH are known to be pathogenic (PMID: 16510302, 23785301). This variant is not present in population databases (gnomAD no frequency). This variant has not been reported in the literature in individuals affected with ETFDH-related conditions. Algorithms developed to predict the effect of sequence changes on RNA splicing suggest that this variant may disrupt the consensus splice site. In summary, the currently available evidence indicates that the variant is pathogenic, but additional data are needed to prove that conclusively. Therefore, this variant has been classified as Likely Pathogenic.

Literature cited by the submitters: PubMed 16199547; PubMed 16510302; PubMed 23785301.

NM_004453.4(ETFDH):c.607-1G>C

Gene: ETFDH (electron transfer flavoprotein dehydrogenase; plus strand). Cytogenetic location: 4q32.1.
Variant type: single nucleotide variant.
Coding change: c.607-1G>C on transcript NM_004453.4 (MANE Select); the canonical splice acceptor site of the intron before coding-DNA position 607, G replaced by C.
Molecular consequence: splice acceptor variant.
Genome position (GRCh38, 1-based): chr4:158,690,347, G>C. VCF-style: chr4-158690347-G-C. GRCh37 (hg19) VCF-style: chr4-159611499-G-C.
Other names: c.466-1G>C (NM_001281737.2); c.424-1G>C (NM_001281738.1).
Identifiers: ClinVar variation 3630521 (VCV003630521.2).